The following is an entry in ClinVar:

NM_006950.3(SYN1):c.1310C>A (p.Pro437Gln)

Gene: SYN1 (synapsin I; minus strand). Cytogenetic location: Xp11.3.
Variant type: single nucleotide variant.
Coding change: c.1310C>A on transcript NM_006950.3 (MANE Select); coding-DNA position 1310, C replaced by A.
Protein change: p.Pro437Gln; replaces proline 437 with glutamine.
Molecular consequence: missense variant.
Genome position (GRCh38, 1-based): chrX:47,574,771, G>T on the plus strand (C>A on the coding strand, the complement: SYN1 is on the minus strand). VCF-style: chrX-47574771-G-T. GRCh37 (hg19) VCF-style: chrX-47434170-G-T.
Other names: c.1310C>A, p.Pro437Gln (NM_133499.2); short protein forms P437Q.
Identifiers: ClinVar variation 2007636 (VCV002007636.5), dbSNP rs895517774, ClinGen allele CA412824922.
Genomic context (GRCh38, chrX:47,574,771, plus strand): 5'-GCCGGGGGCCCTGCGGGCTGCTGGGAGGTCTGGCGGCCCAAGGGCAGGGCCCCTGGGGAC[G>T]GAGTCTGCGGCAGAGGAATGGAGCAGGAGAGGTTAAAAATAGTTACCAGCCAGTGGAGCA-3'
Protein context (NP_008881.2, residues 427-447): SPGRGSHGQT[Pro437Gln]SPGALPLGRQ

ClinVar aggregate classification (germline): Uncertain significance. Review status: criteria provided, multiple submitters, no conflicts (2 of 4 stars). 2 submissions from 2 submitters: Uncertain significance (2). Last evaluated 2026-06-17.

Conditions:
Inborn genetic diseases. Identifiers: MedGen C0950123, MeSH D030342.
Epilepsy, X-linked 1, with variable learning disabilities and behavior disorders. Also called: X-linked epilepsy-learning disabilities-behavior disorders syndrome. Identifiers: Orphanet 85294, MedGen C5774177, MONDO:0010339, OMIM 300491.

Submissions (2):

Ambry Genetics
Classification: Uncertain significance for Inborn genetic diseases. Last evaluated: 2026-06-17. Review status: criteria provided, single submitter. Criteria: Ambry Variant Classification Scheme 2023. Collection method: clinical testing. Allele origin: germline.

Labcorp Genetics (formerly Invitae), Labcorp
Classification: Uncertain significance for Epilepsy, X-linked 1, with variable learning disabilities and behavior disorders. Last evaluated: 2022-06-17. Review status: criteria provided, single submitter. Criteria: Invitae Variant Classification Sherloc (09022015). Collection method: clinical testing. Allele origin: germline.
Comment: In summary, the available evidence is currently insufficient to determine the role of this variant in disease. Therefore, it has been classified as a Variant of Uncertain Significance. Algorithms developed to predict the effect of missense changes on protein structure and function are either unavailable or do not agree on the potential impact of this missense change (SIFT: "Tolerated"; PolyPhen-2: "Possibly Damaging"; Align-GVGD: "Class C0"). This variant has not been reported in the literature in individuals affected with SYN1-related conditions. This variant is not present in population databases (gnomAD no frequency). This sequence change replaces proline, which is neutral and non-polar, with glutamine, which is neutral and polar, at codon 437 of the SYN1 protein (p.Pro437Gln).